The following is an entry in ClinVar:

NM_145691.4(ATPAF2):c.511G>A (p.Val171Met)

Gene: ATPAF2 (ATP synthase mitochondrial F1 complex assembly factor 2; minus strand). Cytogenetic location: 17p11.2.
Variant type: single nucleotide variant.
Coding change: c.511G>A on transcript NM_145691.4 (MANE Select); coding-DNA position 511, G replaced by A.
Protein change: p.Val171Met; replaces valine 171 with methionine.
Molecular consequence: missense variant.
Genome position (GRCh38, 1-based): chr17:18,021,850, C>T on the plus strand (G>A on the coding strand, the complement: ATPAF2 is on the minus strand). VCF-style: chr17-18021850-C-T. GRCh37 (hg19) VCF-style: chr17-17925164-C-T.
Other names: p.V171M:GTG>ATG; short protein forms V171M.
Identifiers: ClinVar variation 136467 (VCV000136467.63), dbSNP rs62073570, ClinGen allele CA289604.

ClinVar aggregate classification (germline): Benign/Likely benign. Review status: criteria provided, multiple submitters, no conflicts (2 of 4 stars). 10 submissions from 10 submitters: Benign (3); Likely benign (5). 2 of the submissions do not count toward it. Last evaluated 2026-08-01.

Conditions:
ATPAF2-related disorder. Also called: ATPAF2-related condition.
Mitochondrial complex V (ATP synthase) deficiency, nuclear type 1. Also called: Nuclear-Encoded ATPase Deficiency, ATPAF2-Related; MITOCHONDRIAL COMPLEX V (ATP SYNTHASE) DEFICIENCY, ATPAF2 TYPE. Identifiers: Orphanet 254913, MedGen C3276276, MONDO:0011421, OMIM 604273.

Allele frequency attached by ClinVar (database versions not stated): 1000 Genomes Project 0.00359; 1000 Genomes Project 30x 0.00406; gnomAD 0.00522; ESP Exome Variant Server 0.00592; TOPMed 0.00622.

Submissions (10):

CeGaT Center for Human Genetics Tuebingen
Classification: Benign. Last evaluated: 2026-08-01. Review status: criteria provided, single submitter. Criteria: CeGaT Center For Human Genetics Tuebingen Variant Classification Criteria Version 2. Collection method: clinical testing. Allele origin: germline. Affected: yes. Observed: 22 variant alleles.
Comment: ATPAF2: BP4, BS1, BS2

Labcorp Genetics (formerly Invitae), Labcorp
Classification: Likely benign. Last evaluated: 2026-01-29. Review status: criteria provided, single submitter. Criteria: Invitae Variant Classification Sherloc (09022015). Collection method: clinical testing. Allele origin: germline.

ARUP Laboratories, Molecular Genetics and Genomics, ARUP Laboratories
Classification: Benign for Mitochondrial complex V (ATP synthase) deficiency, nuclear type 1. Last evaluated: 2022-02-28. Review status: criteria provided, single submitter. Criteria: ARUP Molecular Germline Variant Investigation Process 2021. Collection method: clinical testing. Allele origin: germline.

Fulgent Genetics
Classification: Likely benign for Mitochondrial complex V (ATP synthase) deficiency, nuclear type 1. Last evaluated: 2021-07-29. Review status: criteria provided, single submitter. Criteria: ACMG Guidelines, 2015. Collection method: clinical testing. Allele origin: unknown.

Illumina Laboratory Services, Illumina
Classification: Likely benign for Mitochondrial complex V (ATP synthase) deficiency, nuclear type 1. Last evaluated: 2018-01-12. Review status: criteria provided, single submitter. Criteria: ICSL Variant Classification Criteria 13 December 2019. Collection method: clinical testing. Allele origin: germline.
Comment: This variant was observed in the ICSL laboratory as part of a predisposition screen in an ostensibly healthy population. It had not been previously curated by ICSL or reported in the Human Gene Mutation Database (HGMD: prior to June 1st, 2018), and was therefore a candidate for classification through an automated scoring system. Utilizing variant allele frequency, disease prevalence and penetrance estimates, and inheritance mode, an automated score was calculated to assess if this variant is too frequent to cause the disease. Based on the score and internal cut-off values, a variant classified as likely benign is not then subjected to further curation. The score for this variant resulted in a classification of likely benign for this disease.

Center for Pediatric Genomic Medicine, Children's Mercy Hospital and Clinics
Classification: Likely benign. Last evaluated: 2016-09-15. Review status: criteria provided, single submitter. Criteria: ACMG Guidelines, 2015. Collection method: clinical testing. Allele origin: germline.
ClinVar note: Converted during submission from Likely Benign to Likely benign.

GeneDx
Classification: Benign. Last evaluated: 2014-03-03. Review status: criteria provided, single submitter. Criteria: GeneDx Variant Classification (06012015). Collection method: clinical testing. Allele origin: germline. Affected: yes.
Comment: This variant is considered likely benign or benign based on one or more of the following criteria: it is a conservative change, it occurs at a poorly conserved position in the protein, it is predicted to be benign by multiple in silico algorithms, and/or has population frequency not consistent with disease.

Breakthrough Genomics
Classification: Likely benign. Review status: criteria provided, single submitter. Criteria: ACMG Guidelines, 2015. Collection method: not provided. Allele origin: germline. Inheritance: Autosomal recessive inheritance. Affected: yes.

PreventionGenetics, part of Exact Sciences
Classification: Benign for ATPAF2-related condition. Last evaluated: 2023-10-13. Review status: no assertion criteria provided. Collection method: clinical testing. Allele origin: germline. Not counted in ClinVar's aggregate classification.
Comment: This variant is classified as benign based on ACMG/AMP sequence variant interpretation guidelines (Richards et al. 2015 PMID: 25741868, with internal and published modifications).

Mayo Clinic Laboratories, Mayo Clinic
Classification: Uncertain significance. Last evaluated: 2016-02-22. Review status: no assertion criteria provided. Collection method: clinical testing. Allele origin: unknown. Not counted in ClinVar's aggregate classification.